The following is an entry in ClinVar:

ClinVar aggregate classification (germline): Uncertain significance (1 of 4 stars; one submission).

Conditions:
Hereditary cancer-predisposing syndrome. Also called: Tumor predisposition; Neoplastic Syndromes, Hereditary; Hereditary Cancer Syndrome; Hereditary neoplastic syndrome. Identifiers: Orphanet 140162, MedGen C0027672, MeSH D009386, MONDO:0015356.

Submission:

Ambry Genetics
Classification: Uncertain significance for Hereditary cancer-predisposing syndrome. Last evaluated: 2024-11-01. Review status: criteria provided, single submitter. Criteria: Ambry Variant Classification Scheme 2023. Collection method: clinical testing. Allele origin: germline.
Comment: The p.I276F variant (also known as c.826A>T), located in coding exon 6 of the CHEK2 gene, results from an A to T substitution at nucleotide position 826. The isoleucine at codon 276 is replaced by phenylalanine, an amino acid with highly similar properties. This amino acid position is conserved. In addition, this alteration is predicted to be deleterious by in silico analysis. Based on the available evidence, the clinical significance of this variant remains unclear.

NM_007194.4(CHEK2):c.826A>T (p.Ile276Phe)

Gene: CHEK2 (checkpoint kinase 2; minus strand). Cytogenetic location: 22q12.1.
Variant type: single nucleotide variant.
Coding change: c.826A>T on transcript NM_007194.4 (MANE Select); coding-DNA position 826, A replaced by T.
Protein change: p.Ile276Phe; replaces isoleucine 276 with phenylalanine.
Molecular consequence: missense variant.
Genome position (GRCh38, 1-based): chr22:28,710,026, T>A on the plus strand (A>T on the coding strand, the complement: CHEK2 is on the minus strand). VCF-style: chr22-28710026-T-A. GRCh37 (hg19) VCF-style: chr22-29106014-T-A.
Other names: c.955A>T, p.Ile319Phe (NM_001005735.3); c.163A>T, p.Ile55Phe (NM_001257387.3); c.625A>T, p.Ile209Phe (NM_001349956.3); c.826A>T, p.Ile276Phe (NM_145862.3); short protein forms I276F, I209F, I319F, I55F.
Identifiers: ClinVar variation 3492200 (VCV003492200.1).